The following is an entry in ClinVar:

ClinVar aggregate classification (germline): Conflicting classifications of pathogenicity. Review status: criteria provided, conflicting classifications (1 of 4 stars). 2 submissions from 2 submitters: Uncertain significance (1); Likely benign (1). Last evaluated 2025-10-20.

Conditions:
Multiple endocrine neoplasia, type 1 (MEN1). Also called: MEN I; WERMER SYNDROME; Endocrine adenomatosis multiple; MEN 1; MEA I. Identifiers: Orphanet 652, MedGen C0025267, MeSH D018761, MONDO:0007540, OMIM 131100.

Allele frequency attached by ClinVar (database versions not stated): ExAC 0.00001; TOPMed 0.00001.
gnomAD v4.1: 1 of 1,613,994 alleles (0.000062%); highest among the groups gnomAD compares: African/African-American, 0.0013%; no homozygotes.

Submissions (2):

Labcorp Genetics (formerly Invitae), Labcorp
Classification: Likely benign for Multiple endocrine neoplasia, type 1. Last evaluated: 2025-10-20. Review status: criteria provided, single submitter. Criteria: Invitae Variant Classification Sherloc (09022015). Collection method: clinical testing. Allele origin: germline.

All of Us Research Program, National Institutes of Health
Classification: Uncertain significance for Multiple endocrine neoplasia, type 1. Last evaluated: 2024-08-23. Review status: criteria provided, single submitter. Criteria: ACMG Guidelines, 2015. Collection method: clinical testing. Allele origin: germline. Inheritance: Autosomal dominant inheritance. Observed: 1 variant allele, 1 heterozygote.
Comment: This variant causes a C to A nucleotide substitution at the -7 position of intron 3 of the MEN1 gene. Splice site prediction tools suggest that this variant may have a significant impact on RNA splicing. An RT-PCR study of this variant found an increased intensity of alternate mRNA products also found in the control sample (PMID: 19391077). This variant has been reported in individuals affected with a macroprolactinoma (PMID: 19391077). This variant has been identified in 1/250852 chromosomes in the general population by the Genome Aggregation Database (gnomAD). The available evidence is insufficient to determine the role of this variant in disease conclusively. Therefore, this variant is classified as a Variant of Uncertain Significance.

This study involves interpretation of variants in research participants for the purpose of population health screening. Participant phenotype was not available at the time of variant classification. Additional details can be found in publication PMID: 35346344, PMCID: PMC8962531

Literature cited by the submitters: PubMed 19391077 (cited by All of Us Research Program, National Institutes of Health).

NM_001370259.2(MEN1):c.655-7C>A

Gene: MEN1 (menin 1; minus strand). Cytogenetic location: 11q13.1.
Variant type: single nucleotide variant.
Coding change: c.655-7C>A on transcript NM_001370259.2 (MANE Select); 7 bases into the intron before coding-DNA position 655, C replaced by A.
Molecular consequence: intron variant.
Genome position (GRCh38, 1-based): chr11:64,807,687, G>T on the plus strand (C>A on the coding strand, the complement: MEN1 is on the minus strand). VCF-style: chr11-64807687-G-T. GRCh37 (hg19) VCF-style: chr11-64575159-G-T.
Other names: c.670-7C>A (NM_130804.3, NM_130803.3, NM_000244.4 and 3 more transcripts); c.655-7C>A (NM_130799.3, NM_001370260.2, NM_001370251.2 and 1 more transcripts); c.550-7C>A (NM_001370263.2, NM_001370262.2).
Identifiers: ClinVar variation 457330 (VCV000457330.9), dbSNP rs771297371, ClinGen allele CA061437.